The following is an entry in ClinVar:

ClinVar aggregate classification (germline): Conflicting classifications of pathogenicity. Review status: criteria provided, conflicting classifications (1 of 4 stars). 7 submissions from 6 submitters: Uncertain significance (2); Likely benign (5). Last evaluated 2026-02-01.

Conditions:
RYR1-related disorder. Also called: RYR1-related condition; RYR1-related disorders. Identifiers: MedGen CN239331.
Malignant hyperthermia, susceptibility to, 1 (MHS1). Also called: RYR1-Related Malignant Hyperthermia Susceptibility; Anesthesia related hyperthermia; Malignant hyperpyrexia; Fulminating hyperpyrexia; Pharmacogenic myopathy; Malignant hyperthermia suceptibility 1. Identifiers: Orphanet 423, MedGen C2930980, MONDO:0007783, OMIM 145600.
Congenital multicore myopathy with external ophthalmoplegia (CMYO1B). Also called: Congenital myopathy 1B, autosomal recessive; Minicore myopathy; MULTICORE MYOPATHY; Minicore myopathy with external ophthalmoplegia; MULTIMINICORE DISEASE WITH EXTERNAL OPHTHALMOPLEGIA. Identifiers: Orphanet 598, Orphanet 98905, MedGen C1850674, MONDO:0009712, OMIM 255320, HP:0003789.

Allele frequency attached by ClinVar (database versions not stated): gnomAD 0.00001 and 0.00004; TOPMed 0.00003; 1000 Genomes Project 30x 0.00016; 1000 Genomes Project 0.00020.
gnomAD v4.1: 121 of 1,613,514 alleles (0.0075%); highest among the groups gnomAD compares: East Asian, 0.27%; 1 homozygote.

Submissions (7):

Labcorp Genetics (formerly Invitae), Labcorp
Classification: Likely benign for RYR1-related disorder. Last evaluated: 2026-02-01. Review status: criteria provided, single submitter. Criteria: Invitae Variant Classification Sherloc (09022015). Collection method: clinical testing. Allele origin: germline.

All of Us Research Program, National Institutes of Health
Classification: Likely benign for Malignant hyperthermia, susceptibility to, 1. Last evaluated: 2023-12-18. Review status: criteria provided, single submitter. Criteria: ACMG Guidelines, 2015. Collection method: clinical testing. Allele origin: germline. Inheritance: Autosomal dominant inheritance. Observed: 11 variant alleles, 11 heterozygotes.
Comment: This study involves interpretation of variants in research participants for the purpose of population health screening. Participant phenotype was not available at the time of variant classification. Additional details can be found in publication PMID: 35346344, PMCID: PMC8962531

Color Diagnostics, LLC DBA Color Health
Classification: Likely benign for Malignant hyperthermia, susceptibility to, 1. Last evaluated: 2022-11-06. Review status: criteria provided, single submitter. Criteria: ACMG Guidelines, 2015. Collection method: clinical testing. Allele origin: germline.

Blueprint Genetics
Classification: Likely benign. Last evaluated: 2020-10-01. Review status: criteria provided, single submitter. Criteria: ACMG Guidelines, 2015. Collection method: clinical testing. Allele origin: germline.

Illumina Laboratory Services, Illumina
Classification: Uncertain significance for Congenital multicore myopathy with external ophthalmoplegia. Last evaluated: 2018-01-12. Review status: criteria provided, single submitter. Criteria: ICSL Variant Classification Criteria 13 December 2019. Collection method: clinical testing. Allele origin: germline.

Illumina Laboratory Services, Illumina
Classification: Uncertain significance for Malignant hyperthermia, susceptibility to, 1. Last evaluated: 2018-01-12. Review status: criteria provided, single submitter. Criteria: ICSL Variant Classification Criteria 13 December 2019. Collection method: clinical testing. Allele origin: germline.

PreventionGenetics, part of Exact Sciences
Classification: Likely benign. Review status: criteria provided, single submitter. Criteria: ACMG Guidelines, 2015. Collection method: clinical testing. Allele origin: germline.

NM_000540.3(RYR1):c.255G>T (p.Val85=)

Gene: RYR1 (ryanodine receptor 1; plus strand). Cytogenetic location: 19q13.2.
Variant type: single nucleotide variant.
Coding change: c.255G>T on transcript NM_000540.3 (MANE Select); coding-DNA position 255, G replaced by T.
Protein change: p.Val85=; no amino-acid change (valine 85 retained).
Molecular consequence: synonymous variant.
Genome position (GRCh38, 1-based): chr19:38,442,438, G>T. VCF-style: chr19-38442438-G-T. GRCh37 (hg19) VCF-style: chr19-38933078-G-T.
Other names: c.255G>T, p.Val85= (NM_001042723.2).
Identifiers: ClinVar variation 256474 (VCV000256474.18), dbSNP rs532101469, ClinGen allele CA063447.
Genomic context (GRCh38, chr19:38,442,438, plus strand): 5'-CTTCGTCCTGGAGCAGTCCCTGTCTGTGCGAGCCCTGCAGGAGATGCTGGCTAACACGGT[G>T]GAGGCTGGCGTGGAGGTGAGGACCCCACCTGGGGGTGGGCGGGGTGGCAGAGATGGGCGA-3'
Protein context (NP_000531.2, residues 75-95): RALQEMLANT[Val85=]EAGVESSQGG